The following is an entry in ClinVar:

ClinVar aggregate classification (germline): Pathogenic/Likely pathogenic. Review status: criteria provided, multiple submitters, no conflicts (2 of 4 stars). 6 submissions from 6 submitters: Pathogenic (1); Likely pathogenic (5). Last evaluated 2025-02-26.

Conditions:
PALB2-related disorder. Also called: PALB2-related condition; PALB2-related disorders.
Hereditary cancer-predisposing syndrome. Also called: Neoplastic Syndromes, Hereditary; Tumor predisposition; Hereditary Cancer Syndrome; Hereditary neoplastic syndrome. Identifiers: Orphanet 140162, MedGen C0027672, MeSH D009386, MONDO:0015356.
Familial cancer of breast. Also called: BREAST CANCER, FAMILIAL; Hereditary breast cancer; hereditary breast carcinoma. Identifiers: Orphanet 227535, MedGen C0346153, MONDO:0016419, OMIM 114480. Disease mechanism: loss of function.

Submissions (6):

Quest Diagnostics Nichols Institute San Juan Capistrano
Classification: Likely pathogenic. Last evaluated: 2025-02-26. Review status: criteria provided, single submitter. Criteria: Quest Diagnostics criteria. Collection method: clinical testing. Allele origin: unknown.
Comment: The PALB2 c.2835-1G>A variant disrupts a canonical splice-acceptor site and is predicted to interfere with normal PALB2 mRNA splicing. This variant has not been reported in individuals with PALB2-related conditions in the published literature. This variant has not been reported in large, multi-ethnic general populations (Genome Aggregation Database). Based on the available information, this variant is classified as likely pathogenic.

Ambry Genetics
Classification: Likely pathogenic for Hereditary cancer-predisposing syndrome. Last evaluated: 2024-08-08. Review status: criteria provided, single submitter. Criteria: Ambry Variant Classification Scheme 2023. Collection method: clinical testing. Allele origin: germline.
Comment: The c.2835-1G>A intronic variant results from a G to A substitution one nucleotide upstream from coding exon 9 of the PALB2 gene. This variant has been identified in a family with breast and other cancers (Yang X et al. J Clin Oncol, 2020 Mar;38:674-685). This variant is considered to be rare based on population cohorts in the Genome Aggregation Database (gnomAD). This nucleotide position is highly conserved in available vertebrate species. In silico splice site analysis predicts that this alteration will weaken the native splice acceptor site and will result in the creation or strengthening of a novel splice acceptor site; however, direct evidence is insufficient at this time (Ambry internal data). In addition to the clinical data presented in the literature, alterations that disrupt the canonical splice site are expected to cause aberrant splicing, resulting in an abnormal protein or a transcript that is subject to nonsense-mediated mRNA decay. As such, this alteration is classified as likely pathogenic.

Myriad Genetics, Inc.
Classification: Likely pathogenic for Familial cancer of breast. Last evaluated: 2023-09-14. Review status: criteria provided, single submitter. Criteria: Myriad Autosomal Dominant, Autosomal Recessive and X-Linked Classification Criteria (2023). Collection method: clinical testing. Allele origin: unknown.
Comment: This variant is considered likely pathogenic. This variant occurs within a consensus splice junction and is predicted to result in abnormal mRNA splicing of either an out-of-frame exon or an in-frame exon necessary for protein stability and/or normal function.

Labcorp Genetics (formerly Invitae), Labcorp
Classification: Likely pathogenic for Familial cancer of breast. Last evaluated: 2023-06-19. Review status: criteria provided, single submitter. Criteria: Invitae Variant Classification Sherloc (09022015). Collection method: clinical testing. Allele origin: germline.
Comment: In summary, the currently available evidence indicates that the variant is pathogenic, but additional data are needed to prove that conclusively. Therefore, this variant has been classified as Likely Pathogenic. Studies have shown that disruption of this splice site results in skipping of skipping of exon 9, but is expected to preserve the integrity of the reading-frame (Invitae). ClinVar contains an entry for this variant (Variation ID: 188163). Disruption of this splice site has been observed in individual(s) with breast cancer (PMID: 21285249, 22241545; Invitae). It has also been observed to segregate with disease in related individuals. This variant is not present in population databases (gnomAD no frequency). This sequence change affects an acceptor splice site in intron 8 of the PALB2 gene. RNA analysis indicates that disruption of this splice site induces altered splicing and likely results in a shortened protein product.

PreventionGenetics, part of Exact Sciences
Classification: Pathogenic for PALB2-related condition. Last evaluated: 2023-06-02. Review status: criteria provided, single submitter. Criteria: ACMG Guidelines, 2015. Collection method: clinical testing. Allele origin: germline.
Comment: The PALB2 c.2835-1G>A variant is predicted to disrupt the AG splice acceptor site and interfere with normal splicing. This variant has been reported in a patient with breast cancer (Table S5, Yang. 2020. PubMed ID: 31841383). This variant has not been reported in a large population database, indicating this variant is rare. Variants that disrupt the consensus splice acceptor site in PALB2 are expected to be pathogenic. This variant is interpreted as pathogenic.

GeneDx
Classification: Likely pathogenic. Last evaluated: 2018-05-16. Review status: criteria provided, single submitter. Criteria: GeneDx Variant Classification (06012015). Collection method: clinical testing. Allele origin: germline. Affected: yes.
Comment: This variant is denoted PALB2 c.2835-1G>A or IVS8-1G>A and consists of a G>A nucleotidesubstitution at the -1 position of intron 8 of the PALB2 gene. This variant destroys a canonical splice acceptor site andis predicted to cause abnormal gene splicing, leading to either an abnormal message that is subject to nonsense-mediated mRNA decay or to an abnormal protein product. Although this specific variant has not, to our knowledge,been reported in the literature, an alternate splice variant at this same position, PALB2 c.2835-1G>C has beenobserved in multiple cases of breast cancer, as well as in an individual with a history of ovarian cancer (Casadei 2011,Tischkowitz 2012, Norquist 2015). Based on the currently available information, we consider PALB2 c.2835-1G>A tobe a likely pathogenic variant.

Literature cited by the submitters: PubMed 31841383 (cited by Ambry Genetics); PubMed 21285249 (cited by Labcorp Genetics (formerly Invitae), Labcorp); PubMed 22241545 (cited by Labcorp Genetics (formerly Invitae), Labcorp).

NM_024675.4(PALB2):c.2835-1G>A

Gene: PALB2 (partner and localizer of BRCA2; minus strand). Cytogenetic location: 16p12.2.
Variant type: single nucleotide variant.
Coding change: c.2835-1G>A on transcript NM_024675.4 (MANE Select); the canonical splice acceptor site of the intron before coding-DNA position 2835, G replaced by A.
Molecular consequence: splice acceptor variant. On other transcripts: intron variant (1).
Genome position (GRCh38, 1-based): chr16:23,623,131, C>T on the plus strand (G>A on the coding strand, the complement: PALB2 is on the minus strand). VCF-style: chr16-23623131-C-T. GRCh37 (hg19) VCF-style: chr16-23634452-C-T.
Other names: c.1950-1G>A (NM_001407308.1, NM_001407306.1, NM_001407309.1 and 4 more transcripts); c.369-1G>A (NM_001407314.1); c.1047-1G>A (NM_001407313.1, NM_001407312.1); c.2775-1G>A (NM_001407296.1); c.2763-1G>A (NM_001407297.1); c.2673-1G>A (NM_001407302.1, NM_001407298.1); c.2834+878G>A (NM_001407300.1); c.2835-1G>A (NM_001407299.1, NM_001407301.1); and 1 more.
Identifiers: ClinVar variation 188163 (VCV000188163.19), dbSNP rs515726099, ClinGen allele CA334206.